The following is an entry in ClinVar:

ClinVar aggregate classification (germline): Uncertain significance (1 of 4 stars; one submission).

Submission:

GeneDx
Classification: Uncertain significance. Last evaluated: 2022-10-21. Review status: criteria provided, single submitter. Criteria: GeneDx Variant Classification Process June 2021. Collection method: clinical testing. Allele origin: germline. Affected: yes.
Comment: Has not been previously published as pathogenic or benign to our knowledge; Frameshift variant predicted to result in protein truncation or nonsense mediated decay in a gene or region of a gene for which loss of function is not a well-established mechanism of disease; Not observed at significant frequency in large population cohorts (gnomAD); Variants in candidate genes are classified as variants of uncertain significance in accordance with ACMG guidelines (Richards et al., 2015)

NM_006885.4(ZFHX3):c.10777_10778del (p.Ser3593fs)

Genes: ZFHX3 (zinc finger homeobox 3; minus strand), ZFHX3-AS1 (ZFHX3 antisense RNA 1; plus strand). Cytogenetic location: 16q22.2.
Variant type: Deletion.
Coding change: c.10777_10778del on transcript NM_006885.4 (MANE Select); coding-DNA positions 10777 to 10778, 2 bases deleted (TC; older notation c.10777_10778delTC).
Protein change: p.Ser3593fs; shifts the reading frame from serine 3593.
Molecular consequence: frameshift variant. On other transcripts: non-coding transcript variant (1).
Genome position (GRCh38, 1-based): chr16:72,787,498-72,787,499, GA deleted on the plus strand (TC on the coding strand, the reverse complement: ZFHX3 is on the minus strand); deleting any 2 consecutive bases within chr16:72,787,498-72,787,500 gives the same sequence; the c. name uses the placement nearest the transcript's 3' end. VCF-style (leftmost placement, unchanged base first): chr16-72787497-TGA-T. GRCh37 (hg19) VCF-style: chr16-72821396-TGA-T.
Other names: c.8035_8036del, p.Ser2679fs (NM_001164766.2); c.10777_10778del, p.Ser3593fs (NM_001386735.1); short protein forms S2679fs, S3593fs.
Identifiers: ClinVar variation 3342691 (VCV003342691.1).